The following is an entry in ClinVar:

ClinVar aggregate classification (germline): Uncertain significance (1 of 4 stars; one submission).

Submission:

Ambry Genetics
Classification: Uncertain significance. Last evaluated: 2024-05-03. Review status: criteria provided, single submitter. Criteria: Ambry Variant Classification Scheme 2023. Collection method: clinical testing. Allele origin: germline.
Comment: The p.D1302E variant (also known as c.3906T>A), located in coding exon 4 of the ALPK2 gene, results from a T to A substitution at nucleotide position 3906. The aspartic acid at codon 1302 is replaced by glutamic acid, an amino acid with highly similar properties. This amino acid position is conserved. In addition, this alteration is predicted to be tolerated by in silico analysis. Based on the available evidence, the clinical significance of this variant remains unclear.

NM_052947.4(ALPK2):c.3906T>A (p.Asp1302Glu)

Genes: ALPK2 (alpha kinase 2; minus strand), LOC126862764 (BRD4-independent group 4 enhancer GRCh37_chr18:56202574-56203773; plus strand). Cytogenetic location: 18q21.31.
Variant type: single nucleotide variant.
Coding change: c.3906T>A on transcript NM_052947.4 (MANE Select); coding-DNA position 3906, T replaced by A.
Protein change: p.Asp1302Glu; replaces aspartic acid 1302 with glutamic acid.
Molecular consequence: missense variant.
Genome position (GRCh38, 1-based): chr18:58,536,281, A>T on the plus strand (T>A on the coding strand, the complement: ALPK2 is on the minus strand). VCF-style: chr18-58536281-A-T. GRCh37 (hg19) VCF-style: chr18-56203513-A-T.
Other names: short protein forms D1302E.
Identifiers: ClinVar variation 3290306 (VCV003290306.1).